The following is an entry in ClinVar:

ClinVar aggregate classification (germline): Benign. Review status: criteria provided, multiple submitters, no conflicts (2 of 4 stars). 2 submissions from 2 submitters: Benign (2). Last evaluated 2018-06-16.

Allele frequency attached by ClinVar (database versions not stated): 1000 Genomes Project 30x 0.03966; 1000 Genomes Project 0.04073; TOPMed 0.04929; gnomAD 0.04978 and 0.05122; ESP Exome Variant Server 0.05459; gnomAD exomes 0.05910; ExAC 0.06113.
gnomAD v4.1: 103,629 of 1,569,156 alleles (6.6%); highest among the groups gnomAD compares: Middle Eastern, 11%; 3,839 homozygotes.

Submissions (2):

GeneDx
Classification: Benign. Last evaluated: 2018-06-16. Review status: criteria provided, single submitter. Criteria: GeneDx Variant Classification (06012015). Collection method: clinical testing. Allele origin: germline. Affected: yes.
Comment: This variant is considered likely benign or benign based on one or more of the following criteria: it is a conservative change, it occurs at a poorly conserved position in the protein, it is predicted to be benign by multiple in silico algorithms, and/or has population frequency not consistent with disease.

Breakthrough Genomics
Classification: Benign. Review status: criteria provided, single submitter. Criteria: ACMG Guidelines, 2015. Collection method: not provided. Allele origin: germline. Inheritance: Autosomal recessive inheritance. Affected: yes.

NM_004817.4(TJP2):c.3407+45A>G

Gene: TJP2 (tight junction protein 2; plus strand). Cytogenetic location: 9q21.11.
Variant type: single nucleotide variant.
Coding change: c.3407+45A>G on transcript NM_004817.4 (MANE Select); 45 bases into the intron after coding-DNA position 3407, A replaced by G.
Molecular consequence: intron variant.
Genome position (GRCh38, 1-based): chr9:69,252,945, A>G. VCF-style: chr9-69252945-A-G. GRCh37 (hg19) VCF-style: chr9-71867861-A-G.
Other names: c.2897+45A>G (NM_001170414.2); c.3332+45A>G (NM_001369870.1); c.3338+45A>G (NM_001369871.1); c.2966+45A>G (NM_201629.3); c.3296+45A>G (NM_001369872.1); c.3083+45A>G (NM_001369873.1); c.3308+45A>G (NM_001170415.1); c.3500+45A>G (NM_001170416.2); and 2 more.
Identifiers: ClinVar variation 682742 (VCV000682742.2), dbSNP rs41277913, ClinGen allele CA5073965.